The following is an entry in ClinVar:

NM_001440.4(EXTL3):c.1078G>T (p.Ala360Ser)

Gene: EXTL3 (exostosin like glycosyltransferase 3; plus strand). Cytogenetic location: 8p21.1.
Variant type: single nucleotide variant.
Coding change: c.1078G>T on transcript NM_001440.4 (MANE Select); coding-DNA position 1078, G replaced by T.
Protein change: p.Ala360Ser; replaces alanine 360 with serine.
Molecular consequence: missense variant.
Genome position (GRCh38, 1-based): chr8:28,717,137, G>T. VCF-style: chr8-28717137-G-T. GRCh37 (hg19) VCF-style: chr8-28574654-G-T.
Other names: c.1078G>T, p.Ala360Ser (NM_001437797.1, NM_001438399.1, NM_001438400.1 and 4 more transcripts); short protein forms A360S.
Identifiers: ClinVar variation 4809779 (VCV004809779.1).

ClinVar aggregate classification (germline): Uncertain significance (1 of 4 stars; one submission).

gnomAD v4.1: 131 of 1,614,124 alleles (0.0081%); highest among the groups gnomAD compares: Non-Finnish European, 0.011%; no homozygotes.

Submission:

Labcorp Genetics (formerly Invitae), Labcorp
Classification: Uncertain significance. Last evaluated: 2025-11-03. Review status: criteria provided, single submitter. Criteria: Invitae Variant Classification Sherloc (09022015). Collection method: clinical testing. Allele origin: germline.
Comment: This sequence change replaces alanine, which is neutral and non-polar, with serine, which is neutral and polar, at codon 360 of the EXTL3 protein (p.Ala360Ser). This variant is present in population databases (rs373238234, gnomAD 0.01%). This variant has not been reported in the literature in individuals affected with EXTL3-related conditions. An algorithm developed to predict the effect of missense changes on protein structure and function (PolyPhen-2) suggests that this variant is likely to be tolerated. In summary, the available evidence is currently insufficient to determine the role of this variant in disease. Therefore, it has been classified as a Variant of Uncertain Significance.